The following is an entry in ClinVar:

ClinVar aggregate classification (germline): Conflicting classifications of pathogenicity. Review status: criteria provided, conflicting classifications (1 of 4 stars). 2 submissions from 2 submitters: Uncertain significance (1); Likely benign (1). Last evaluated 2025-04-17.

Conditions:
Cystic fibrosis (CF). Also called: MUCOVISCIDOSIS. Identifiers: Orphanet 586, MedGen C0010674, MONDO:0009061, OMIM 219700. Disease mechanism: loss of function.

Submissions (2):

Labcorp Genetics (formerly Invitae), Labcorp
Classification: Likely benign for Cystic fibrosis. Last evaluated: 2025-04-17. Review status: criteria provided, single submitter. Criteria: Invitae Variant Classification Sherloc (09022015). Collection method: clinical testing. Allele origin: germline.

Ambry Genetics
Classification: Uncertain significance for Cystic fibrosis. Last evaluated: 2021-07-26. Review status: criteria provided, single submitter. Criteria: Ambry Variant Classification Scheme 2023. Collection method: clinical testing. Allele origin: germline.
Comment: The c.3717+14A>G intronic variant results from an A to G substitution 14 nucleotides after coding exon 22 in the CFTR gene. This nucleotide position is well conserved in available vertebrate species. In silico splice site analysis for this alteration is inconclusive. Since supporting evidence is limited at this time, the clinical significance of this alteration remains unclear.

NM_000492.4(CFTR):c.3717+14A>G

Genes: CFTR (CF transmembrane conductance regulator; plus strand), CFTR-AS2 (CFTR antisense RNA 2; minus strand). Cytogenetic location: 7q31.2.
Variant type: single nucleotide variant.
Coding change: c.3717+14A>G on transcript NM_000492.4 (MANE Select); 14 bases into the intron after coding-DNA position 3717, A replaced by G.
Molecular consequence: intron variant.
Genome position (GRCh38, 1-based): chr7:117,627,784, A>G. VCF-style: chr7-117627784-A-G. GRCh37 (hg19) VCF-style: chr7-117267838-A-G.
Identifiers: ClinVar variation 1734246 (VCV001734246.5), dbSNP rs2485146738, ClinGen allele CA2580076360.
Genomic context (GRCh38, chr7:117,627,784, plus strand): 5'-ATGCCATATTAGAGAACATTTCCTTCTCAATAAGTCCTGGCCAGAGGGTGAGATTTGAAC[A>G]CTGCTTGCTTTGTTAGACTGTGTTCAGTAAGTGAATCCCAGTAGCCTGAAGCAATGTGTT-3'